The following is an entry in ClinVar:

NM_033118.4(MYLK2):c.149T>G (p.Leu50Arg)

Gene: MYLK2 (myosin light chain kinase 2; plus strand). Cytogenetic location: 20q11.21.
Variant type: single nucleotide variant.
Coding change: c.149T>G on transcript NM_033118.4 (MANE Select); coding-DNA position 149, T replaced by G.
Protein change: p.Leu50Arg; replaces leucine 50 with arginine.
Molecular consequence: missense variant.
Genome position (GRCh38, 1-based): chr20:31,820,222, T>G. VCF-style: chr20-31820222-T-G. GRCh37 (hg19) VCF-style: chr20-30408025-T-G.
Other names: short protein forms L50R.
Identifiers: ClinVar variation 3228193 (VCV003228193.3), dbSNP rs769568693, ClinGen allele CA9802850.

ClinVar aggregate classification (germline): Uncertain significance. Review status: criteria provided, multiple submitters, no conflicts (2 of 4 stars). 2 submissions from 2 submitters: Uncertain significance (2). Last evaluated 2024-08-15.

Conditions:
Hypertrophic cardiomyopathy 1 (CMH1). Also called: MYH7-Related Familial Hypertrophic Cardiomyopathy; Familial hypertrophic cardiomyopathy 1. Identifiers: MedGen C3495498, MONDO:0008647, OMIM 192600.

Allele frequency attached by ClinVar (database versions not stated): ExAC 0.00001.

Submissions (2):

Labcorp Genetics (formerly Invitae), Labcorp
Classification: Uncertain significance for Hypertrophic cardiomyopathy 1. Last evaluated: 2024-08-15. Review status: criteria provided, single submitter. Criteria: Invitae Variant Classification Sherloc (09022015). Collection method: clinical testing. Allele origin: germline.
Comment: This sequence change replaces leucine, which is neutral and non-polar, with arginine, which is basic and polar, at codon 50 of the MYLK2 protein (p.Leu50Arg). This variant is present in population databases (rs769568693, gnomAD 0.003%). This variant has not been reported in the literature in individuals affected with MYLK2-related conditions. Invitae Evidence Modeling of protein sequence and biophysical properties (such as structural, functional, and spatial information, amino acid conservation, physicochemical variation, residue mobility, and thermodynamic stability) indicates that this missense variant is not expected to disrupt MYLK2 protein function with a negative predictive value of 80%. In summary, the available evidence is currently insufficient to determine the role of this variant in disease. Therefore, it has been classified as a Variant of Uncertain Significance.

Ambry Genetics
Classification: Uncertain significance. Last evaluated: 2024-02-22. Review status: criteria provided, single submitter. Criteria: Ambry Variant Classification Scheme 2023. Collection method: clinical testing. Allele origin: germline.
Comment: The p.L50R variant (also known as c.149T>G), located in coding exon 2 of the MYLK2 gene, results from a T to G substitution at nucleotide position 149. The leucine at codon 50 is replaced by arginine, an amino acid with dissimilar properties. This amino acid position is conserved. In addition, this alteration is predicted to be tolerated by in silico analysis. Based on the available evidence, the clinical significance of this alteration remains unclear.